The following is an entry in ClinVar:

NM_000540.3(RYR1):c.14372T>G (p.Leu4791Arg)

Gene: RYR1 (ryanodine receptor 1; plus strand). Cytogenetic location: 19q13.2.
Variant type: single nucleotide variant.
Coding change: c.14372T>G on transcript NM_000540.3 (MANE Select); coding-DNA position 14372, T replaced by G.
Protein change: p.Leu4791Arg; replaces leucine 4791 with arginine.
Molecular consequence: missense variant.
Genome position (GRCh38, 1-based): chr19:38,579,989, T>G. VCF-style: chr19-38579989-T-G. GRCh37 (hg19) VCF-style: chr19-39070629-T-G.
Other names: c.14357T>G, p.Leu4786Arg (NM_001042723.2); short protein forms L4786R, L4791R.
Identifiers: ClinVar variation 2435629 (VCV002435629.4), dbSNP rs2514748280, ClinGen allele CA405686807.

ClinVar aggregate classification (germline): Uncertain significance. Review status: criteria provided, multiple submitters, no conflicts (2 of 4 stars). 2 submissions from 2 submitters: Uncertain significance (2). Last evaluated 2024-05-30.

Conditions:
Malignant hyperthermia, susceptibility to, 1 (MHS1). Also called: Anesthesia related hyperthermia; Malignant hyperpyrexia; Fulminating hyperpyrexia; Pharmacogenic myopathy; Malignant hyperthermia suceptibility 1; RYR1-Related Malignant Hyperthermia Susceptibility. Identifiers: Orphanet 423, MedGen C2930980, MONDO:0007783, OMIM 145600.

Submissions (2):

All of Us Research Program, National Institutes of Health
Classification: Uncertain significance for Malignant hyperthermia, susceptibility to, 1. Last evaluated: 2024-05-30. Review status: criteria provided, single submitter. Criteria: ACMG Guidelines, 2015. Collection method: clinical testing. Allele origin: germline. Inheritance: Autosomal dominant inheritance. Observed: 1 variant allele, 1 heterozygote.
Comment: This missense variant replaces leucine with arginine at codon 4791 of the RYR1 protein. Computational prediction suggests that this variant may have deleterious impact on protein structure and function (internally defined REVEL score threshold >= 0.7, PMID: 27666373). To our knowledge, functional studies have not been reported for this variant. This variant has not been reported in individuals affected with RYR1-related disorders in the literature. This variant has not been identified in the general population by the Genome Aggregation Database (gnomAD). The available evidence is insufficient to determine the role of this variant in disease conclusively. Therefore, this variant is classified as a Variant of Uncertain Significance.

This study involves interpretation of variants in research participants for the purpose of population health screening. Participant phenotype was not available at the time of variant classification. Additional details can be found in publication PMID: 35346344, PMCID: PMC8962531

Revvity Omics, Revvity
Classification: Uncertain significance. Last evaluated: 2021-06-22. Review status: criteria provided, single submitter. Criteria: ACMG Guidelines, 2015. Collection method: clinical testing. Allele origin: germline.